The following is an entry in ClinVar:

ClinVar aggregate classification (germline): Uncertain significance (1 of 4 stars; one submission).

Submission:

Labcorp Genetics (formerly Invitae), Labcorp
Classification: Uncertain significance. Last evaluated: 2022-06-20. Review status: criteria provided, single submitter. Criteria: Invitae Variant Classification Sherloc (09022015). Collection method: clinical testing. Allele origin: germline.
Comment: This variant has not been reported in the literature in individuals affected with MTHFD1-related conditions. In summary, the available evidence is currently insufficient to determine the role of this variant in disease. Therefore, it has been classified as a Variant of Uncertain Significance. Experimental studies and prediction algorithms are not available or were not evaluated, and the functional significance of this variant is currently unknown. This variant is a gross deletion of the genomic region encompassing exon(s) 16-24 of the MTHFD1 gene. This variant would be expected to be in-frame, preserving the integrity of the reading frame.

NC_000014.8:g.(?_64902267)_(64916360_?)del

Gene: MTHFD1 (methylenetetrahydrofolate dehydrogenase, cyclohydrolase and formyltetrahydrofolate synthetase 1; plus strand). Cytogenetic location: 14q23.3.
Variant type: Deletion.
Identifiers: ClinVar variation 1446425 (VCV001446425.7).